The following is an entry in ClinVar:

NM_000810.4(GABRA5):c.490A>T (p.Thr164Ser)

Gene: GABRA5 (gamma-aminobutyric acid type A receptor subunit alpha5; plus strand). Cytogenetic location: 15q12.
Variant type: single nucleotide variant.
Coding change: c.490A>T on transcript NM_000810.4 (MANE Select); coding-DNA position 490, A replaced by T.
Protein change: p.Thr164Ser; replaces threonine 164 with serine.
Molecular consequence: missense variant.
Genome position (GRCh38, 1-based): chr15:26,883,550, A>T. VCF-style: chr15-26883550-A-T. GRCh37 (hg19) VCF-style: chr15-27128697-A-T.
Other names: c.490A>T, p.Thr164Ser (NM_001165037.2); short protein forms T164S.
Identifiers: ClinVar variation 1313115 (VCV001313115.2), dbSNP rs2140256348, ClinGen allele CA391464886.
Genomic context (GRCh38, chr15:26,883,550, plus strand): 5'-CACAACATGACCACGCCCAACAAGCTGCTGCGGCTGGAGGACGACGGCACCCTGCTCTAC[A>T]CCATGCGGTGAGCGCCGGGCGGGGGCGGGCGGGGCCGGGGGACGGTGCGGGGCAGGCGCG-3'
Protein context (NP_000801.1, residues 154-174): RLEDDGTLLY[Thr164Ser]MRLTISAECP

ClinVar aggregate classification (germline): Uncertain significance (1 of 4 stars; one submission).

Submission:

GeneDx
Classification: Uncertain significance. Last evaluated: 2020-07-20. Review status: criteria provided, single submitter. Criteria: GeneDx Variant Classification Process June 2021. Collection method: clinical testing. Allele origin: germline. Affected: yes.
Comment: Not observed in large population cohorts (Lek et al., 2016); In silico analysis supports that this missense variant has a deleterious effect on protein structure/function; Has not been previously published as pathogenic or benign to our knowledge